The following is an entry in ClinVar:

ClinVar aggregate classification (germline): Uncertain significance. Review status: criteria provided, multiple submitters, no conflicts (2 of 4 stars). 2 submissions from 2 submitters: Uncertain significance (2). Last evaluated 2024-10-09.

gnomAD v4.1: 1 of 1,610,722 alleles (0.000062%); highest among the groups gnomAD compares: Non-Finnish European, 0.000085%; no homozygotes.

Submissions (2):

Ambry Genetics
Classification: Uncertain significance. Last evaluated: 2024-10-09. Review status: criteria provided, single submitter. Criteria: Ambry Variant Classification Scheme 2023. Collection method: clinical testing. Allele origin: germline.

Labcorp Genetics (formerly Invitae), Labcorp
Classification: Uncertain significance. Last evaluated: 2024-08-04. Review status: criteria provided, single submitter. Criteria: Invitae Variant Classification Sherloc (09022015). Collection method: clinical testing. Allele origin: germline.
Comment: This sequence change replaces isoleucine, which is neutral and non-polar, with valine, which is neutral and non-polar, at codon 359 of the ITGAM protein (p.Ile359Val). This variant is not present in population databases (gnomAD no frequency). This variant has not been reported in the literature in individuals affected with ITGAM-related conditions. An algorithm developed to predict the effect of missense changes on protein structure and function outputs the following: PolyPhen-2: "Benign". The valine amino acid residue is found in multiple mammalian species, which suggests that this missense change does not adversely affect protein function. In summary, the available evidence is currently insufficient to determine the role of this variant in disease. Therefore, it has been classified as a Variant of Uncertain Significance.

NM_000632.4(ITGAM):c.1075A>G (p.Ile359Val)

Gene: ITGAM (integrin subunit alpha M; plus strand). Cytogenetic location: 16p11.2.
Variant type: single nucleotide variant.
Coding change: c.1075A>G on transcript NM_000632.4 (MANE Select); coding-DNA position 1075, A replaced by G.
Protein change: p.Ile359Val; replaces isoleucine 359 with valine.
Molecular consequence: missense variant.
Genome position (GRCh38, 1-based): chr16:31,276,736, A>G. VCF-style: chr16-31276736-A-G. GRCh37 (hg19) VCF-style: chr16-31288057-A-G.
Other names: c.1075A>G, p.Ile359Val (NM_001145808.2); short protein forms I359V.
Identifiers: ClinVar variation 3530501 (VCV003530501.3).